The following is an entry in ClinVar:

ClinVar aggregate classification (germline): Benign (0 of 4 stars; one submission).

Conditions:
RANBP17-related disorder. Also called: RANBP17-related condition.

Allele frequency attached by ClinVar (database versions not stated): gnomAD exomes 0.00046; ExAC 0.00166; gnomAD 0.00521; 1000 Genomes Project 0.00539; TOPMed 0.00555; 1000 Genomes Project 30x 0.00578; ESP Exome Variant Server 0.00746.
gnomAD v4.1: 1,475 of 1,613,784 alleles (0.091%); highest among the groups gnomAD compares: African/African-American, 1.8%; 14 homozygotes.

Submission:

PreventionGenetics, part of Exact Sciences
Classification: Benign for RANBP17-related condition. Last evaluated: 2020-01-20. Review status: no assertion criteria provided. Collection method: clinical testing. Allele origin: germline.
Comment: This variant is classified as benign based on ACMG/AMP sequence variant interpretation guidelines (Richards et al. 2015 PMID: 25741868, with internal and published modifications).

NM_022897.5(RANBP17):c.2291C>T (p.Thr764Ile)

Gene: RANBP17 (RAN binding protein 17; plus strand). Cytogenetic location: 5q35.1.
Variant type: single nucleotide variant.
Coding change: c.2291C>T on transcript NM_022897.5 (MANE Select); coding-DNA position 2291, C replaced by T.
Protein change: p.Thr764Ile; replaces threonine 764 with isoleucine.
Molecular consequence: missense variant.
Genome position (GRCh38, 1-based): chr5:171,213,690, C>T. VCF-style: chr5-171213690-C-T. GRCh37 (hg19) VCF-style: chr5-170640694-C-T.
Other names: short protein forms T764I.
Identifiers: ClinVar variation 3052894 (VCV003052894.2), dbSNP rs34536688, ClinGen allele CA3557835.
Genomic context (GRCh38, chr5:171,213,690, plus strand): 5'-GGTACCCAACGTACCTTCCCCTTCTTCAGAATGCTGTTGAACGGTGGTATGGAGAGCCAA[C>T]ATGTACAACTCCCATCTTGAAACTTATGGCAGAACTTATGCAAAACAGGTAAGCAGTGTG-3'
Protein context (NP_075048.1, residues 754-774): NAVERWYGEP[Thr764Ile]CTTPILKLMA